The following is an entry in ClinVar:

ClinVar aggregate classification (germline): Likely pathogenic. Review status: criteria provided, multiple submitters, no conflicts (2 of 4 stars). 3 submissions from 3 submitters: Likely pathogenic (2). 1 of the submissions does not count toward it. Last evaluated 2024-10-23.

Conditions:
Galactosylceramide beta-galactosidase deficiency. Also called: GALACTOCEREBROSIDASE DEFICIENCY; GALC DEFICIENCY; GLOBOID CELL LEUKOENCEPHALOPATHY; Leukodystrophy, Globoid Cell; Krabbe Disease. Identifiers: Orphanet 487, MedGen C0023521, MONDO:0009499, OMIM 245200.

Allele frequency attached by ClinVar (database versions not stated): gnomAD exomes below 0.00001 and 0.00001; ExAC 0.00001.
gnomAD v4.1: 6 of 1,536,242 alleles (0.00039%); highest among the groups gnomAD compares: South Asian, 0.0011%; no homozygotes.

Submissions (4):

Labcorp Genetics (formerly Invitae), Labcorp
Classification: Likely pathogenic for Galactosylceramide beta-galactosidase deficiency. Last evaluated: 2024-10-23. Review status: criteria provided, single submitter. Criteria: Invitae Variant Classification Sherloc (09022015). Collection method: clinical testing. Allele origin: germline.
Comment: This sequence change affects a donor splice site in intron 6 of the GALC gene. It is expected to disrupt RNA splicing. Variants that disrupt the donor or acceptor splice site typically lead to a loss of protein function (PMID: 16199547), and loss-of-function variants in GALC are known to be pathogenic (PMID: 7437911, 9272171, 16607461). This variant is present in population databases (rs759511006, gnomAD 0.002%). This variant has not been reported in the literature in individuals affected with GALC-related conditions. ClinVar contains an entry for this variant (Variation ID: 550154). Algorithms developed to predict the effect of sequence changes on RNA splicing suggest that this variant may disrupt the consensus splice site. In summary, the currently available evidence indicates that the variant is pathogenic, but additional data are needed to prove that conclusively. Therefore, this variant has been classified as Likely Pathogenic.

Fulgent Genetics
Classification: Likely pathogenic for Galactosylceramide beta-galactosidase deficiency. Last evaluated: 2021-12-06. Review status: criteria provided, single submitter. Criteria: ACMG Guidelines, 2015. Collection method: clinical testing. Allele origin: unknown.

Counsyl
Classification: Likely pathogenic for Galactosylceramide beta-galactosidase deficiency. Last evaluated: 2017-01-09. Review status: no assertion criteria provided. Collection method: clinical testing. Allele origin: unknown. Not counted in ClinVar's aggregate classification.

Dr. Peter K. Rogan Lab, Western University
No classification provided (evidence only). Condition: Melanoma. Review status: no classification provided. Collection method: in vitro. Allele origin: not applicable. Functional consequence: skipped exon, retained intron. Not counted in ClinVar's aggregate classification.

Literature cited by the submitters: PubMed 16199547 (cited by Labcorp Genetics (formerly Invitae), Labcorp); PubMed 7437911 (cited by Labcorp Genetics (formerly Invitae), Labcorp); PubMed 9272171 (cited by Labcorp Genetics (formerly Invitae), Labcorp); PubMed 16607461 (cited by Labcorp Genetics (formerly Invitae), Labcorp).

NM_000153.4(GALC):c.621+1G>A

Gene: GALC (galactosylceramidase; minus strand). Cytogenetic location: 14q31.3.
Variant type: single nucleotide variant.
Coding change: c.621+1G>A on transcript NM_000153.4 (MANE Select); the canonical splice donor site of the intron after coding-DNA position 621, G replaced by A.
Molecular consequence: splice donor variant.
Genome position (GRCh38, 1-based): chr14:87,982,204, C>T on the plus strand (G>A on the coding strand, the complement: GALC is on the minus strand). VCF-style: chr14-87982204-C-T. GRCh37 (hg19) VCF-style: chr14-88448548-C-T.
Other names: c.543+1G>A (NM_001201402.2); c.552+1G>A (NM_001201401.2).
Identifiers: ClinVar variation 550154 (VCV000550154.9), dbSNP rs759511006, ClinGen allele CA7297305.
Genomic context (GRCh38, chr14:87,982,204, plus strand): 5'-GAACCATAAGGAATTATTCACTAAAAAGTTAAAAACAAAAAGATACTAAAGTTGTACACA[C>T]CTTAATATAATTGGCATTATATGACCTCTCATTCCAAATCTGCAAAACAAAAAGTCAAAA-3'